The following is an entry in ClinVar:

ClinVar aggregate classification (germline): Uncertain significance (1 of 4 stars; one submission).

Allele frequency attached by ClinVar (database versions not stated): gnomAD exomes 0.00002 and 0.00005; ExAC 0.00007; gnomAD 0.00007 and 0.00009; ESP Exome Variant Server 0.00008; TOPMed 0.00014.
gnomAD v4.1: 36 of 1,614,018 alleles (0.0022%); highest among the groups gnomAD compares: African/African-American, 0.039%; no homozygotes.

Submission:

Labcorp Genetics (formerly Invitae), Labcorp
Classification: Uncertain significance. Last evaluated: 2025-01-27. Review status: criteria provided, single submitter. Criteria: Invitae Variant Classification Sherloc (09022015). Collection method: clinical testing. Allele origin: germline.
Comment: This sequence change replaces threonine, which is neutral and polar, with isoleucine, which is neutral and non-polar, at codon 378 of the IL12RB2 protein (p.Thr378Ile). This variant is present in population databases (rs369298433, gnomAD 0.05%). This variant has not been reported in the literature in individuals affected with IL12RB2-related conditions. ClinVar contains an entry for this variant (Variation ID: 1406693). An algorithm developed to predict the effect of missense changes on protein structure and function (PolyPhen-2) suggests that this variant is likely to be disruptive. In summary, the available evidence is currently insufficient to determine the role of this variant in disease. Therefore, it has been classified as a Variant of Uncertain Significance.

NM_001374259.2(IL12RB2):c.1133C>T (p.Thr378Ile)

Gene: IL12RB2 (interleukin 12 receptor subunit beta 2; plus strand). Cytogenetic location: 1p31.3.
Variant type: single nucleotide variant.
Coding change: c.1133C>T on transcript NM_001374259.2 (MANE Select); coding-DNA position 1133, C replaced by T.
Protein change: p.Thr378Ile; replaces threonine 378 with isoleucine.
Molecular consequence: missense variant. On other transcripts: non-coding transcript variant (2).
Genome position (GRCh38, 1-based): chr1:67,350,964, C>T. VCF-style: chr1-67350964-C-T. GRCh37 (hg19) VCF-style: chr1-67816647-C-T.
Other names: c.1133C>T, p.Thr378Ile (NM_001258214.1, NM_001258215.1, NM_001258216.1 and 2 more transcripts); short protein forms T378I.
Identifiers: ClinVar variation 1406693 (VCV001406693.6), dbSNP rs369298433, ClinGen allele CA900413.